The following is an entry in ClinVar:

ClinVar aggregate classification (germline): Benign/Likely benign. Review status: criteria provided, multiple submitters, no conflicts (2 of 4 stars). 4 submissions from 4 submitters: Benign (3); Likely benign (1). Last evaluated 2024-11-28.

Conditions:
Cutis laxa with severe pulmonary, gastrointestinal and urinary anomalies. Also called: LTBP4-Related Cutis Laxa; Cutis laxa, autosomal recessive, type IC; URBAN-RIFKIN-DAVIS SYNDROME. Identifiers: Orphanet 221145, MedGen C2750804, MONDO:0013170, OMIM 613177. Disease mechanism: loss of function.

Allele frequency attached by ClinVar (database versions not stated): gnomAD 0.17666 and 0.17303; 1000 Genomes Project 30x 0.18395; 1000 Genomes Project 0.18650; ESP Exome Variant Server 0.13930; TOPMed 0.16703.
gnomAD v4.1: 245,481 of 1,356,684 alleles (18%); highest among the groups gnomAD compares: South Asian, 27%; 22,800 homozygotes.

Submissions (4):

Blueprint Genetics
Classification: Likely benign. Last evaluated: 2024-11-28. Review status: criteria provided, single submitter. Criteria: ACMG Guidelines, 2015. Collection method: clinical testing. Allele origin: germline.

Illumina Laboratory Services, Illumina
Classification: Benign for Cutis laxa with severe pulmonary, gastrointestinal and urinary anomalies. Last evaluated: 2018-01-13. Review status: criteria provided, single submitter. Criteria: ICSL Variant Classification Criteria 13 December 2019. Collection method: clinical testing. Allele origin: germline.
Comment: This variant was observed in the ICSL laboratory as part of a predisposition screen in an ostensibly healthy population. It had not been previously curated by ICSL or reported in the Human Gene Mutation Database (HGMD: prior to June 1st, 2018), and was therefore a candidate for classification through an automated scoring system. Utilizing variant allele frequency, disease prevalence and penetrance estimates, and inheritance mode, an automated score was calculated to assess if this variant is too frequent to cause the disease. Based on the score and internal cut-off values, a variant classified as benign is not then subjected to further curation. The score for this variant resulted in a classification of benign for this disease.

GeneDx
Classification: Benign. Last evaluated: 2016-10-05. Review status: criteria provided, single submitter. Criteria: GeneDx Variant Classification (06012015). Collection method: clinical testing. Allele origin: germline. Affected: yes.
Comment: This variant is considered likely benign or benign based on one or more of the following criteria: it is a conservative change, it occurs at a poorly conserved position in the protein, it is predicted to be benign by multiple in silico algorithms, and/or has population frequency not consistent with disease.

Breakthrough Genomics
Classification: Benign. Review status: criteria provided, single submitter. Criteria: ACMG Guidelines, 2015. Collection method: not provided. Allele origin: germline. Inheritance: Autosomal recessive inheritance. Affected: yes.

NM_001042545.2(LTBP4):c.*20G>A

Gene: LTBP4 (latent transforming growth factor beta binding protein 4; plus strand). Cytogenetic location: 19q13.2.
Variant type: single nucleotide variant.
Coding change: c.*20G>A on transcript NM_001042545.2 (MANE Select); 20 bases downstream of the stop codon, G replaced by A.
Molecular consequence: 3 prime UTR variant.
Genome position (GRCh38, 1-based): chr19:40,629,570, G>A. VCF-style: chr19-40629570-G-A. GRCh37 (hg19) VCF-style: chr19-41135475-G-A.
Other names: c.*20G>A (NM_001042544.1, NM_003573.2).
Identifiers: ClinVar variation 329330 (VCV000329330.7), dbSNP rs1051481, ClinGen allele CA9449414.